The following is an entry in ClinVar:

ClinVar aggregate classification (germline): Uncertain significance (1 of 4 stars; one submission).

Conditions:
Neuropathy, hereditary sensory and autonomic, type 2A (HSAN2A). Also called: ACROOSTEOLYSIS, GIACCAI TYPE; ACROOSTEOLYSIS, NEUROGENIC; MORVAN DISEASE; NEUROPATHY, CONGENITAL SENSORY; NEUROPATHY, HEREDITARY SENSORY RADICULAR, AUTOSOMAL RECESSIVE; NEUROPATHY, HEREDITARY SENSORY, TYPE IIA. Identifiers: Orphanet 970, MedGen C2752089, MONDO:0024309, OMIM 201300.
Pseudohypoaldosteronism type 2C (PHA2C). Also called: Pseudohypoaldosteronism Type IIC. Identifiers: Orphanet 757, Orphanet 88940, MedGen C1840391, MONDO:0013778, OMIM 614492.

Submission:

Labcorp Genetics (formerly Invitae), Labcorp
Classification: Uncertain significance for Neuropathy, hereditary sensory and autonomic, type 2A; Pseudohypoaldosteronism type 2C. Last evaluated: 2022-07-05. Review status: criteria provided, single submitter. Criteria: Invitae Variant Classification Sherloc (09022015). Collection method: clinical testing. Allele origin: germline.
Comment: In summary, the available evidence is currently insufficient to determine the role of this variant in disease. Therefore, it has been classified as a Variant of Uncertain Significance. Advanced modeling of protein sequence and biophysical properties (such as structural, functional, and spatial information, amino acid conservation, physicochemical variation, residue mobility, and thermodynamic stability) performed at Invitae indicates that this missense variant is not expected to disrupt WNK1 protein function. This variant has not been reported in the literature in individuals affected with WNK1-related conditions. This variant is not present in population databases (gnomAD no frequency). This sequence change replaces arginine, which is basic and polar, with proline, which is neutral and non-polar, at codon 1073 of the WNK1 protein (p.Arg1073Pro).

NM_213655.5(WNK1):c.3218G>C (p.Arg1073Pro)

Gene: WNK1 (WNK lysine deficient protein kinase 1; plus strand). Cytogenetic location: 12p13.33.
Variant type: single nucleotide variant.
Coding change: c.3218G>C on transcript NM_213655.5 (MANE Plus Clinical); coding-DNA position 3218, G replaced by C.
Protein change: p.Arg1073Pro; replaces arginine 1073 with proline.
Molecular consequence: missense variant. On other transcripts: intron variant (2).
Genome position (GRCh38, 1-based): chr12:868,689, G>C. VCF-style: chr12-868689-G-C. GRCh37 (hg19) VCF-style: chr12-977855-G-C.
Other names: c.2963G>C, p.Arg988Pro (NM_001184985.2); c.2140-2576G>C (NM_018979.4, NM_014823.3); short protein forms R988P, R1073P.
Identifiers: ClinVar variation 2014287 (VCV002014287.4), dbSNP rs745947901, ClinGen allele CA383341582.
Genomic context (GRCh38, chr12:868,689, plus strand): 5'-AATTTCATGTTCACACACCAAGCTCCTCTTCAGGAGAAGGAGGTGGAATTTTACCTCAGC[G>C]TGTTTACCGAAATCGGCAGGTTGCAGTGGACTTGAATCAAGAAGAACTGCCTCCTCAATC-3'
Protein context (NP_998820.3, residues 1063-1083): SGEGGGILPQ[Arg1073Pro]VYRNRQVAVD